The following is an entry in ClinVar:

ClinVar aggregate classification (germline): Likely pathogenic (1 of 4 stars; one submission).

Conditions:
Cardiovascular phenotype. Identifiers: MedGen CN230736.
Hereditary cancer-predisposing syndrome. Also called: Neoplastic Syndromes, Hereditary; Tumor predisposition; Hereditary Cancer Syndrome; Hereditary neoplastic syndrome. Identifiers: Orphanet 140162, MedGen C0027672, MeSH D009386, MONDO:0015356.

Submission:

Ambry Genetics
Classification: Likely pathogenic for Cardiovascular phenotype; Hereditary cancer-predisposing syndrome. Last evaluated: 2026-05-08. Review status: criteria provided, single submitter. Criteria: Ambry Variant Classification Scheme 2023. Collection method: clinical testing. Allele origin: germline.
Comment: The c.870_993+98del222 variant results from a deletion of 222 nucleotides between positions c.870 and c.993+98 and involves the canonical splice donor site after coding exon 9 of the LZTR1 gene. This variant is considered to be rare based on population cohorts in the Genome Aggregation Database (gnomAD). The canonical splice donor site is highly conserved in available vertebrate species. In silico splice site analysis predicts that this alteration will weaken the native splice donor site and may result in the creation or strengthening of a novel splice donor site. RNA studies have demonstrated that this variant results in abnormal splicing in the set of samples tested (Ambry internal data). Loss-of-function variants in LZTR1 are related to an increased risk for schwannomas and autosomal recessive Noonan syndrome; however, such associations with autosomal dominant Noonan syndrome have not been observed (Piotrowski A et al. Nat Genet. 2014 Feb;46:182-7; Yamamoto GL et al. J Med Genet. 2015 Jun;52:413-21; Johnston JJ et al. Genet Med. 2018 10;20:1175-1185). Based on the supporting evidence, this variant is likely pathogenic for an increased risk of LZTR1-related schwannomatosis (SWN) and would be expected to cause autosomal recessive Noonan syndrome when present along with a second pathogenic or likely pathogenic variant on the other allele; however, the association of this variant with autosomal dominant Noonan syndrome is unlikely.

NM_006767.4(LZTR1):c.870_993+98del

Gene: LZTR1 (leucine zipper like post translational regulator 1; plus strand). Cytogenetic location: 22q11.21.
Variant type: Deletion.
Coding change: c.870_993+98del on transcript NM_006767.4 (MANE Select); coding-DNA position 870 through 98 bases into the intron after coding-DNA position 993, 222 bases deleted.
Molecular consequence: splice donor variant.
Genome position (GRCh38, 1-based): chr22:20,991,706-20,991,927, 222 bases deleted. GRCh37 (hg19): chr22:21,345,995-21,346,216.
Identifiers: ClinVar variation 4859403 (VCV004859403.1).